The following is an entry in ClinVar:

ClinVar aggregate classification (germline): Uncertain significance. Review status: criteria provided, multiple submitters, no conflicts (2 of 4 stars). 11 submissions from 9 submitters: Uncertain significance (10). 1 of the submissions does not count toward it. Last evaluated 2026-06-26.

Conditions:
Myopathy, epilepsy, and progressive cerebral atrophy. Identifiers: MedGen C5436652, MONDO:0033619, OMIM 619036.
Intellectual developmental disorder with epilepsy, behavioral abnormalities, and coarse facies. Identifiers: MedGen C5436646, MONDO:0033572, OMIM 619031.
ALG14-related disorder. Also called: ALG14-related condition.
Congenital myasthenic syndrome 15. Also called: Myasthenic syndrome, congenital, 15, without tubular aggregates. Identifiers: Orphanet 353327, Orphanet 590, MedGen C4015596, MONDO:0014542, OMIM 616227.

Allele frequency attached by ClinVar (database versions not stated): gnomAD 0.00005 and 0.00004; gnomAD exomes 0.00007; TOPMed 0.00013; 1000 Genomes Project 30x 0.00016; 1000 Genomes Project 0.00020; ESP Exome Variant Server 0.00023.
gnomAD v4.1: 209 of 1,614,100 alleles (0.013%); highest among the groups gnomAD compares: Non-Finnish European, 0.016%; no homozygotes.

Submissions (11):

PreventionGenetics, part of Exact Sciences
Classification: Uncertain significance for ALG14-related condition. Last evaluated: 2026-06-26. Review status: criteria provided, single submitter. Criteria: ACMG Guidelines, 2015. Collection method: clinical testing. Allele origin: germline.
Comment: The ALG14 c.326G>A variant is predicted to result in the amino acid substitution p.Arg109Gln. This variant has been reported in the compound heterozygous state in individuals with ALG14-related disorders (see, for example, Schorling et al. 2017. PubMed ID: 28733338; Palombo et al. 2021. PubMed ID: 33751823; Table S8, Kingsmore et al. 2022. PubMed ID: 36007526). In vitro experimental studies indicate this variant reduces GnTase activity (Wang et al. 2022. PubMed ID: 36200043). This variant is reported in 0.013% of alleles in individuals of European (non-Finnish) descent in gnomAD. Although we suspect that this variant may be pathogenic, at this time, the clinical significance of this variant is uncertain due to the absence of conclusive functional and genetic evidence.

Women's Health and Genetics/Laboratory Corporation of America, LabCorp
Classification: Uncertain significance. Last evaluated: 2026-01-22. Review status: criteria provided, single submitter. Criteria: LabCorp Variant Classification Summary - May 2015. Collection method: clinical testing. Allele origin: germline.
Comment: Variant summary: ALG14 c.326G>A (p.Arg109Gln) results in a conservative amino acid change in the encoded protein sequence. Algorithms developed to predict the effect of missense changes on protein structure and function are either unavailable or do not agree on the potential impact of this missense change. The variant allele was found at a frequency of 7.2e-05 in 251426 control chromosomes (gnomAD). This frequency is not significantly higher than estimated for disease-causing variants in ALG14, allowing no conclusion about variant significance. c.326G>A has been observed in individuals affected with clinical features of ALG14-Related Disorders (Schorling_2017, Palombo_2021, Kingsmore_2022). These data indicate that the variant may be associated with disease. At least one publication reports experimental evidence evaluating an impact on protein function and this variant affects ALG14 protein function (Wang_2022). The following publications have been ascertained in the context of this evaluation (PMID: 36007526, 37432431, 33751823, 28733338, 36200043). ClinVar contains an entry for this variant (Variation ID: 379351). Based on the evidence outlined above, the variant was classified as VUS-possibly pathogenic.

Greenwood Genetic Center Diagnostic Laboratories, Greenwood Genetic Center
Classification: Uncertain significance. Last evaluated: 2024-01-02. Review status: criteria provided, single submitter. Criteria: ACMG Guidelines, 2015. Collection method: clinical testing. Allele origin: germline. Affected: yes.
Comment: PS3_Supporting, PP3

Genome-Nilou Lab
Classification: Uncertain significance for Congenital myasthenic syndrome 15. Last evaluated: 2023-04-11. Review status: criteria provided, single submitter. Criteria: ACMG Guidelines, 2015. Collection method: clinical testing. Allele origin: germline. Affected: no.

Genome-Nilou Lab
Classification: Uncertain significance for Intellectual developmental disorder with epilepsy, behavioral abnormalities, and coarse facies. Last evaluated: 2023-04-11. Review status: criteria provided, single submitter. Criteria: ACMG Guidelines, 2015. Collection method: clinical testing. Allele origin: germline. Affected: no.

Genome-Nilou Lab
Classification: Uncertain significance for Myopathy, epilepsy, and progressive cerebral atrophy. Last evaluated: 2023-04-11. Review status: criteria provided, single submitter. Criteria: ACMG Guidelines, 2015. Collection method: clinical testing. Allele origin: germline. Affected: no.

Labcorp Genetics (formerly Invitae), Labcorp
Classification: Uncertain significance for Congenital myasthenic syndrome 15. Last evaluated: 2022-08-23. Review status: criteria provided, single submitter. Criteria: Invitae Variant Classification Sherloc (09022015). Collection method: clinical testing. Allele origin: germline.
Comment: This sequence change replaces arginine, which is basic and polar, with glutamine, which is neutral and polar, at codon 109 of the ALG14 protein (p.Arg109Gln). This variant is present in population databases (rs199689080, gnomAD 0.01%). This missense change has been observed in individual(s) with clinical features of ALG14-congenital disorder of glycosylation (PMID: 28733338, 33751823). In at least one individual the data is consistent with being in trans (on the opposite chromosome) from a pathogenic variant. ClinVar contains an entry for this variant (Variation ID: 379351). Algorithms developed to predict the effect of missense changes on protein structure and function are either unavailable or do not agree on the potential impact of this missense change (SIFT: "Deleterious"; PolyPhen-2: "Probably Damaging"; Align-GVGD: "Class C0"). In summary, the available evidence is currently insufficient to determine the role of this variant in disease. Therefore, it has been classified as a Variant of Uncertain Significance.

GeneDx
Classification: Uncertain significance. Last evaluated: 2021-05-07. Review status: criteria provided, single submitter. Criteria: GeneDx Variant Classification Process June 2021. Collection method: clinical testing. Allele origin: germline. Affected: yes.
Comment: Not observed at a significant frequency in large population cohorts (Lek et al., 2016); In silico analysis supports that this missense variant has a deleterious effect on protein structure/function; This variant is associated with the following publications: (PMID: 28492532, 28733338)

SIB Swiss Institute of Bioinformatics
Classification: Uncertain significance for Myopathy, epilepsy, and progressive cerebral atrophy. Last evaluated: 2021-04-13. Review status: criteria provided, single submitter. Criteria: ACMG Guidelines, 2015. Collection method: curation. Allele origin: unknown.
Comment: This variant is interpreted as a variant of uncertain significance for Myopathy, epilepsy, and progressive cerebral atrophy, autosomal recessive. The following ACMG Tag(s) were applied: Absent from controls (or at extremely low frequency if recessive) in Exome Sequencing Project, 1000 Genomes Project, or Exome Aggregation Consortium (PM2); Multiple lines of computational evidence support a deleterious effect on the gene or gene product (PP3).

Athena Diagnostics
Classification: Uncertain significance. Last evaluated: 2020-12-31. Review status: criteria provided, single submitter. Criteria: Athena Diagnostics Criteria. Collection method: clinical testing. Allele origin: unknown.
Comment: This observation is not an independent occurrence and has been identified in the same individual by RCIGM, the other laboratory participating in the GEMINI study.

OMIM
Classification: Pathogenic for MYOPATHY, EPILEPSY, AND PROGRESSIVE CEREBRAL ATROPHY. Last evaluated: 2020-10-05. Review status: no assertion criteria provided. Collection method: literature only. Allele origin: germline. Not counted in ClinVar's aggregate classification.

Literature cited by the submitters: PubMed 36007526 (cited by Women's Health and Genetics/Laboratory Corporation of America, LabCorp); PubMed 37432431 (cited by Women's Health and Genetics/Laboratory Corporation of America, LabCorp); PubMed 33751823 (cited by Women's Health and Genetics/Laboratory Corporation of America, LabCorp and Labcorp Genetics (formerly Invitae), Labcorp); PubMed 28733338 (cited by 4 submitters); PubMed 36200043 (cited by Women's Health and Genetics/Laboratory Corporation of America, LabCorp).

NM_144988.4(ALG14):c.326G>A (p.Arg109Gln)

Gene: ALG14 (ALG14 UDP-N-acetylglucosaminyltransferase subunit; minus strand). Cytogenetic location: 1p21.3.
Variant type: single nucleotide variant.
Coding change: c.326G>A on transcript NM_144988.4 (MANE Select); coding-DNA position 326, G replaced by A.
Protein change: p.Arg109Gln; replaces arginine 109 with glutamine.
Molecular consequence: missense variant. On other transcripts: synonymous variant (1), non-coding transcript variant (1).
Genome position (GRCh38, 1-based): chr1:95,027,223, C>T on the plus strand (G>A on the coding strand, the complement: ALG14 is on the minus strand). VCF-style: chr1-95027223-C-T. GRCh37 (hg19) VCF-style: chr1-95492779-C-T.
Other names: ALG14, ARG109GLN (rs199689080); c.363G>A, p.Pro121= (NM_001305242.2); short protein forms R109Q.
Identifiers: ClinVar variation 379351 (VCV000379351.12), dbSNP rs199689080, ClinGen allele CA961812.